The following is an entry in ClinVar:

ClinVar aggregate classification (germline): Conflicting classifications of pathogenicity. Review status: criteria provided, conflicting classifications (1 of 4 stars). 3 submissions from 3 submitters: Uncertain significance (2); Likely benign (1). Last evaluated 2024-01-15.

Conditions:
Bone mineral density quantitative trait locus 1 (BMND1). Identifiers: MedGen C1866079, OMIM 601884.
Exudative vitreoretinopathy 4 (EVR4). Identifiers: Orphanet 891, MedGen C1866176, MONDO:0011151, OMIM 601813.
Osteoporosis with pseudoglioma (OPPG). Also called: osteoporosis-pseudoglioma syndrome. Identifiers: Orphanet 2788, MedGen C0432252, MONDO:0009820, OMIM 259770.
Worth disease. Also called: Autosomal dominant osteosclerosis, Worth type; ENDOSTEAL HYPEROSTOSIS, AUTOSOMAL DOMINANT; OSTEOSCLEROSIS, AUTOSOMAL DOMINANT. Identifiers: Orphanet 2790, MedGen C0432273, MONDO:0007764, OMIM 144750.
Polycystic liver disease 4 with or without kidney cysts. Identifiers: MedGen C4693479, MONDO:0044327, OMIM 617875.
Autosomal dominant osteopetrosis 1 (OPTA1). Also called: OSTEOPETROSIS, AUTOSOMAL DOMINANT, TYPE I. Identifiers: Orphanet 2783, MedGen C1843330, MONDO:0011877, OMIM 607634.

gnomAD v4.1: 9 of 1,612,432 alleles (0.00056%); highest among the groups gnomAD compares: South Asian, 0.0022%; no homozygotes.

Submissions (3):

Labcorp Genetics (formerly Invitae), Labcorp
Classification: Uncertain significance. Last evaluated: 2024-01-15. Review status: criteria provided, single submitter. Criteria: Invitae Variant Classification Sherloc (09022015). Collection method: clinical testing. Allele origin: germline.
Comment: This sequence change falls in intron 17 of the LRP5 gene. It does not directly change the encoded amino acid sequence of the LRP5 protein. It affects a nucleotide within the consensus splice site. This variant is present in population databases (rs200397490, gnomAD 0.004%). This variant has not been reported in the literature in individuals affected with LRP5-related conditions. ClinVar contains an entry for this variant (Variation ID: 1956273). Variants that disrupt the consensus splice site are a relatively common cause of aberrant splicing (PMID: 17576681, 9536098). Algorithms developed to predict the effect of sequence changes on RNA splicing suggest that this variant is not likely to affect RNA splicing. In summary, the available evidence is currently insufficient to determine the role of this variant in disease. Therefore, it has been classified as a Variant of Uncertain Significance.

Fulgent Genetics
Classification: Uncertain significance for Worth disease; Osteoporosis with pseudoglioma; Exudative vitreoretinopathy 4; Bone mineral density quantitative trait locus 1; Autosomal dominant osteopetrosis 1; Polycystic liver disease 4 with or without kidney cysts. Last evaluated: 2024-01-08. Review status: criteria provided, single submitter. Criteria: ACMG Guidelines, 2015. Collection method: clinical testing. Allele origin: germline.

Blueprint Genetics
Classification: Likely benign. Last evaluated: 2019-08-07. Review status: criteria provided, single submitter. Criteria: ACMG Guidelines, 2015. Collection method: clinical testing. Allele origin: germline.

Literature cited by the submitters: PubMed 17576681 (cited by Labcorp Genetics (formerly Invitae), Labcorp); PubMed 9536098 (cited by Labcorp Genetics (formerly Invitae), Labcorp).

NM_002335.4(LRP5):c.3764-3C>T

Gene: LRP5 (LDL receptor related protein 5; plus strand). Cytogenetic location: 11q13.2.
Variant type: single nucleotide variant.
Coding change: c.3764-3C>T on transcript NM_002335.4 (MANE Select); 3 bases into the intron before coding-DNA position 3764, C replaced by T.
Molecular consequence: intron variant.
Genome position (GRCh38, 1-based): chr11:68,433,599, C>T. VCF-style: chr11-68433599-C-T. GRCh37 (hg19) VCF-style: chr11-68201067-C-T.
Other names: c.2021-3C>T (NM_001291902.2).
Identifiers: ClinVar variation 1956273 (VCV001956273.7), dbSNP rs200397490, ClinGen allele CA6150107.
Genomic context (GRCh38, chr11:68,433,599, plus strand): 5'-CGCCATTGCCTGGGTTTTGCTGGGCGGGGCTGCGTGTGATGTTCTCCTCTGTCCCTCCCC[C>T]AGAGCCGCCCACCTGCTCCCCGGACCAGTTTGCATGTGCCACAGGGGAGATCGACTGTAT-3'